The following is an entry in ClinVar:

ClinVar aggregate classification (germline): Conflicting classifications of pathogenicity. Review status: criteria provided, conflicting classifications (1 of 4 stars). 3 submissions from 3 submitters: Uncertain significance (2); Likely benign (1). Last evaluated 2023-04-08.

Conditions:
Hereditary nonpolyposis colorectal neoplasms. Identifiers: MedGen C0009405, MeSH D003123.
Hereditary cancer-predisposing syndrome. Also called: Hereditary Cancer Syndrome; Hereditary neoplastic syndrome; Neoplastic Syndromes, Hereditary; Tumor predisposition. Identifiers: Orphanet 140162, MedGen C0027672, MeSH D009386, MONDO:0015356.

Allele frequency attached by ClinVar (database versions not stated): gnomAD exomes 0.00001.
gnomAD v4.1: 7 of 1,598,036 alleles (0.00044%); highest among the groups gnomAD compares: Non-Finnish European, 0.0006%; no homozygotes.

Submissions (3):

Labcorp Genetics (formerly Invitae), Labcorp
Classification: Likely benign for Hereditary nonpolyposis colorectal neoplasms. Last evaluated: 2023-04-08. Review status: criteria provided, single submitter. Criteria: Invitae Variant Classification Sherloc (09022015). Collection method: clinical testing. Allele origin: germline.

Ambry Genetics
Classification: Uncertain significance for Hereditary cancer-predisposing syndrome. Last evaluated: 2021-05-17. Review status: criteria provided, single submitter. Criteria: Ambry Variant Classification Scheme 2023. Collection method: clinical testing. Allele origin: germline.
Comment: The c.3557-4T>A intronic variant results from a T to A substitution 4 nucleotides upstream from coding exon 7 in the MSH6 gene. This nucleotide position is poorly conserved in available vertebrate species. In silico splice site analysis predicts that this alteration will not have any significant effect on splicing. Since supporting evidence is limited at this time, the clinical significance of this alteration remains unclear.

Color Diagnostics, LLC DBA Color Health
Classification: Uncertain significance for Hereditary cancer-predisposing syndrome. Last evaluated: 2019-02-26. Review status: criteria provided, single submitter. Criteria: ACMG Guidelines, 2015. Collection method: clinical testing. Allele origin: germline.

NM_000179.3(MSH6):c.3557-4T>A

Gene: MSH6 (mutS homolog 6; plus strand). Cytogenetic location: 2p16.3.
Variant type: single nucleotide variant.
Coding change: c.3557-4T>A on transcript NM_000179.3 (MANE Select); 4 bases into the intron before coding-DNA position 3557, T replaced by A.
Molecular consequence: intron variant.
Genome position (GRCh38, 1-based): chr2:47,805,614, T>A. VCF-style: chr2-47805614-T-A. GRCh37 (hg19) VCF-style: chr2-48032753-T-A.
Other names: c.2651-4T>A (NM_001281493.2, NM_001281494.2); c.3167-4T>A (NM_001281492.2).
Identifiers: ClinVar variation 455270 (VCV000455270.14), dbSNP rs1553332598, ClinGen allele CA658655720.